The following is an entry in ClinVar:

NM_001374504.1(TMPRSS6):c.2190C>T (p.Tyr730=)

Gene: TMPRSS6 (transmembrane serine protease 6; minus strand). Cytogenetic location: 22q12.3.
Variant type: single nucleotide variant.
Coding change: c.2190C>T on transcript NM_001374504.1 (MANE Select); coding-DNA position 2190, C replaced by T.
Protein change: p.Tyr730=; no amino-acid change (tyrosine 730 retained).
Molecular consequence: synonymous variant.
Genome position (GRCh38, 1-based): chr22:37,066,886, G>A on the plus strand (C>T on the coding strand, the complement: TMPRSS6 is on the minus strand). VCF-style: chr22-37066886-G-A. GRCh37 (hg19) VCF-style: chr22-37462926-G-A.
Other names: p.Tyr739=; c.2256C>T, p.Tyr752= (NM_001289000.2); c.2190C>T, p.Tyr730= (NM_001289001.2, NM_153609.4).
Identifiers: ClinVar variation 262726 (VCV000262726.19), dbSNP rs2235321, ClinGen allele CA10215304.
Genomic context (GRCh38, chr22:37,066,886, plus strand): 5'-CTGACAGGCATCCTTCTTGCCCTTGCGGTAGCCGGCACACAGCATGCGTGGCGTCACCTG[G>A]TAGCGATAGACCTCGCTGCACAGGTCCTGTGGGATCAACTGCACATCCACTTTCTGCAGA-3'
Protein context (NP_001361433.1, residues 720-740): PQDLCSEVYR[Tyr730=]QVTPRMLCAG

ClinVar aggregate classification (germline): Benign/Likely benign. Review status: criteria provided, multiple submitters, no conflicts (2 of 4 stars). 7 submissions from 7 submitters: Benign (6); Likely benign (1). Last evaluated 2026-02-04.

Conditions:
Iron-refractory iron deficiency anemia (IRIDA). Also called: ANEMIA, HYPOCHROMIC MICROCYTIC, WITH DEFECT IN IRON METABOLISM; IRON-HANDLING DISORDER, HEREDITARY; PSEUDO-IRON-DEFICIENCY ANEMIA; IRIDA syndrome. Identifiers: Orphanet 209981, MedGen C0085576, MONDO:0008788, OMIM 206200. Disease mechanism: loss of function.
Microcytic anemia. Identifiers: MedGen C5194182, MONDO:0001245, HP:0001935. Disease mechanism: loss of function.

Allele frequency attached by ClinVar (database versions not stated): 1000 Genomes Project 0.35603; 1000 Genomes Project 30x 0.35743; gnomAD exomes 0.36032; ExAC 0.36545; TOPMed 0.37415; ESP Exome Variant Server 0.39005; gnomAD 0.40210.
gnomAD v4.1: 609,660 of 1,613,618 alleles (38%); highest among the groups gnomAD compares: East Asian, 44%; 117,508 homozygotes.

Submissions (7):

Labcorp Genetics (formerly Invitae), Labcorp
Classification: Benign. Last evaluated: 2026-02-04. Review status: criteria provided, single submitter. Criteria: Invitae Variant Classification Sherloc (09022015). Collection method: clinical testing. Allele origin: germline.

Blueprint Genetics
Classification: Likely benign. Last evaluated: 2024-11-28. Review status: criteria provided, single submitter. Criteria: ACMG Guidelines, 2015. Collection method: clinical testing. Allele origin: germline.

Mayo Clinic Laboratories, Mayo Clinic
Classification: Benign. Last evaluated: 2024-09-17. Review status: criteria provided, single submitter. Criteria: ACMG Guidelines, 2015. Collection method: clinical testing. Allele origin: germline. Observed: 478 variant alleles.

Genome-Nilou Lab
Classification: Benign for Iron-refractory iron deficiency anemia. Last evaluated: 2021-09-10. Review status: criteria provided, single submitter. Criteria: ACMG Guidelines, 2015. Collection method: clinical testing. Allele origin: germline. Affected: no.

Illumina Laboratory Services, Illumina
Classification: Benign for Iron-refractory iron deficiency anemia. Last evaluated: 2018-01-13. Review status: criteria provided, single submitter. Criteria: ICSL Variant Classification Criteria 13 December 2019. Collection method: clinical testing. Allele origin: germline.
Comment: This variant was observed in the ICSL laboratory as part of a predisposition screen in an ostensibly healthy population. It had not been previously curated by ICSL or reported in the Human Gene Mutation Database (HGMD: prior to June 1st, 2018), and was therefore a candidate for classification through an automated scoring system. Utilizing variant allele frequency, disease prevalence and penetrance estimates, and inheritance mode, an automated score was calculated to assess if this variant is too frequent to cause the disease. Based on the score and internal cut-off values, a variant classified as benign is not then subjected to further curation. The score for this variant resulted in a classification of benign for this disease.

Breakthrough Genomics
Classification: Benign. Review status: criteria provided, single submitter. Criteria: ACMG Guidelines, 2015. Collection method: not provided. Allele origin: germline. Inheritance: Autosomal recessive inheritance. Affected: yes.

PreventionGenetics, part of Exact Sciences
Classification: Benign. Review status: criteria provided, single submitter. Criteria: ACMG Guidelines, 2015. Collection method: clinical testing. Allele origin: germline.